The following is an entry in ClinVar:

NM_001023.4(RPS20):c.94T>C (p.Leu32=)

Gene: RPS20 (ribosomal protein S20; minus strand). Cytogenetic location: 8q12.1.
Variant type: single nucleotide variant.
Coding change: c.94T>C on transcript NM_001023.4 (MANE Select); coding-DNA position 94, T replaced by C.
Protein change: p.Leu32=; no amino-acid change (leucine 32 retained).
Molecular consequence: synonymous variant.
Genome position (GRCh38, 1-based): chr8:56,074,069, A>G on the plus strand (T>C on the coding strand, the complement: RPS20 is on the minus strand). VCF-style: chr8-56074069-A-G. GRCh37 (hg19) VCF-style: chr8-56986628-A-G.
Other names: c.94T>C, p.Leu32= (NM_001146227.3).
Identifiers: ClinVar variation 3232370 (VCV003232370.2), dbSNP rs2486985243, ClinGen allele CA461101585.

ClinVar aggregate classification (germline): Benign/Likely benign. Review status: criteria provided, multiple submitters, no conflicts (2 of 4 stars). 2 submissions from 2 submitters: Benign (1); Likely benign (1). Last evaluated 2026-08-03.

Conditions:
Familial colorectal cancer type X. Identifiers: Orphanet 440437, MedGen C3896578, MONDO:0018604.

Submissions (2):

Myriad Genetics, Inc.
Classification: Benign for Familial colorectal cancer type X. Last evaluated: 2026-08-03. Review status: criteria provided, single submitter. Criteria: Myriad Autosomal Dominant, Autosomal Recessive and X-Linked Classification Criteria (2023). Collection method: clinical testing. Allele origin: unknown.
Comment: This variant is considered benign. This variant is a silent/synonymous amino acid change and it is not expected to impact splicing.

Ambry Genetics
Classification: Likely benign. Last evaluated: 2024-01-11. Review status: criteria provided, single submitter. Criteria: Ambry Variant Classification Scheme 2023. Collection method: clinical testing. Allele origin: germline.